The following is an entry in ClinVar:

NM_207361.6(FREM2):c.4063C>T (p.Arg1355Ter)

Gene: FREM2 (FRAS1 related extracellular matrix 2; plus strand). Cytogenetic location: 13q13.3.
Variant type: single nucleotide variant.
Coding change: c.4063C>T on transcript NM_207361.6 (MANE Select); coding-DNA position 4063, C replaced by T.
Protein change: p.Arg1355Ter; replaces arginine 1355 with a stop codon.
Molecular consequence: nonsense.
Genome position (GRCh38, 1-based): chr13:38,691,407, C>T. VCF-style: chr13-38691407-C-T. GRCh37 (hg19) VCF-style: chr13-39265544-C-T.
Other names: short protein forms R1355*.
Identifiers: ClinVar variation 625184 (VCV000625184.8), dbSNP rs765324128, ClinGen allele CA6954913.

ClinVar aggregate classification (germline): Pathogenic/Likely pathogenic. Review status: criteria provided, multiple submitters, no conflicts (2 of 4 stars). 5 submissions from 5 submitters: Pathogenic (3); Likely pathogenic (1). 1 of the submissions does not count toward it. Last evaluated 2025-09-10.

Conditions:
Isolated cryptophthalmia. Also called: Cryptophthalmos, unilateral or bilateral, isolated; ANKYLOBLEPHARON, SIMPLE. Identifiers: Orphanet 91396, MedGen C1852453, MONDO:0007410, OMIM 123570.
Fraser syndrome 2 (FRASRS2). Identifiers: MedGen C4540036, MONDO:0054738, OMIM 617666.

Allele frequency attached by ClinVar (database versions not stated): gnomAD 0.00001; gnomAD exomes 0.00001; TOPMed 0.00001; ExAC 0.00002.

Submissions (5):

Genomic Medicine Center of Excellence, King Faisal Specialist Hospital and Research Centre
Classification: Pathogenic for Fraser syndrome 2. Last evaluated: 2025-09-10. Review status: criteria provided, single submitter. Criteria: ACMG Guidelines, 2015. Collection method: clinical testing. Allele origin: germline.

Fulgent Genetics
Classification: Likely pathogenic for Isolated cryptophthalmia; Fraser syndrome 2. Last evaluated: 2024-06-12. Review status: criteria provided, single submitter. Criteria: ACMG Guidelines, 2015. Collection method: clinical testing. Allele origin: germline.

Labcorp Genetics (formerly Invitae), Labcorp
Classification: Pathogenic. Last evaluated: 2023-04-08. Review status: criteria provided, single submitter. Criteria: Invitae Variant Classification Sherloc (09022015). Collection method: clinical testing. Allele origin: germline.
Comment: For these reasons, this variant has been classified as Pathogenic. ClinVar contains an entry for this variant (Variation ID: 625184). This premature translational stop signal has been observed in individual(s) with clinical features of Fraser syndrome (PMID: 30802441). This variant is present in population databases (rs765324128, gnomAD 0.008%). This sequence change creates a premature translational stop signal (p.Arg1355*) in the FREM2 gene. It is expected to result in an absent or disrupted protein product. Loss-of-function variants in FREM2 are known to be pathogenic (PMID: 18203166, 26552811).

Juno Genomics, Hangzhou Juno Genomics, Inc
Classification: Pathogenic for Isolated cryptophthalmia; Fraser syndrome 2. Review status: criteria provided, single submitter. Criteria: ACMG Guidelines, 2015. Collection method: clinical testing. Allele origin: germline.
Comment: Absent from controls (or at extremely low frequency if recessive) in Genome Aggregation Database.;Null variant in a gene where loss of function (LOF) is a known mechanism of disease.;For recessive disorders, detected in trans with a pathogenic variant.;Patient's phenotype or family history is highly specific for a disease with a single genetic etiology.

OMIM
Classification: Pathogenic for CRYPTOPHTHALMOS, UNILATERAL OR BILATERAL, ISOLATED. Last evaluated: 2019-04-10. Review status: no assertion criteria provided. Collection method: literature only. Allele origin: germline. Not counted in ClinVar's aggregate classification.

Literature cited by the submitters: PubMed 30802441 (cited by Labcorp Genetics (formerly Invitae), Labcorp and OMIM); PubMed 18203166 (cited by Labcorp Genetics (formerly Invitae), Labcorp); PubMed 26552811 (cited by Labcorp Genetics (formerly Invitae), Labcorp).